The following is an entry in ClinVar:

NM_000441.2(SLC26A4):c.1991C>T (p.Ala664Val)

Gene: SLC26A4 (solute carrier family 26 member 4; plus strand). Cytogenetic location: 7q22.3.
Variant type: single nucleotide variant.
Coding change: c.1991C>T on transcript NM_000441.2 (MANE Select); coding-DNA position 1991, C replaced by T.
Protein change: p.Ala664Val; replaces alanine 664 with valine.
Molecular consequence: missense variant.
Genome position (GRCh38, 1-based): chr7:107,702,014, C>T. VCF-style: chr7-107702014-C-T. GRCh37 (hg19) VCF-style: chr7-107342459-C-T.
Other names: c.1991C>T (NM_000441.1); short protein forms A664V.
Identifiers: ClinVar variation 1065212 (VCV001065212.16), dbSNP rs2129318281, ClinGen allele CA368843788.

ClinVar aggregate classification (germline): Pathogenic/Likely pathogenic. Review status: criteria provided, multiple submitters, no conflicts (2 of 4 stars). 7 submissions from 7 submitters: Pathogenic (2); Likely pathogenic (4). 1 of the submissions does not count toward it. Last evaluated 2026-07-03.

Conditions:
Autosomal recessive nonsyndromic hearing loss 4 (DFNB4). Also called: FOXI1-Related Pendred Syndrome; KCNJ10-Related Pendred Syndrome; Enlarged vestibular aqueduct, digenic; NEUROSENSORY NONSYNDROMIC RECESSIVE DEAFNESS 4; Deafness, autosomal recessive 4, with enlarged vestibular aqueduct; Deafness, autosomal recessive 4. Identifiers: Orphanet 90636, MedGen C3538946, MONDO:0010933, OMIM 600791.
Pendred syndrome (PDS). Also called: THYROID DYSHORMONOGENESIS 2B; THYROID HORMONOGENESIS, GENETIC DEFECT IN, 2B; Pendred Syndrome (PDS); DEAFNESS WITH GOITER; GOITER-DEAFNESS SYNDROME; HYPOTHYROIDISM, CONGENITAL, DUE TO DYSHORMONOGENESIS, 2B. Identifiers: Orphanet 705, MedGen C0271829, MONDO:0010134, OMIM 274600.

gnomAD v4.1: 2 of 1,613,910 alleles (0.00012%); highest among the groups gnomAD compares: Non-Finnish European, 0.00017%; no homozygotes.

Submissions (7):

Department of Otolaryngology-Head and Neck Surgery, Shanghai Jiao Tong University Affiliated Sixth People’s Hospital
Classification: Likely pathogenic for Autosomal recessive nonsyndromic hearing loss 4. Last evaluated: 2026-07-03. Review status: criteria provided, single submitter. Criteria: ACMG Guidelines, 2015. Collection method: provider interpretation. Allele origin: germline. Inheritance: Autosomal recessive inheritance. Affected: yes. Observed: 1 variant allele, 1 compound heterozygote.
Comment: This variant is classified as Likely pathogenic based on the following ACMG/AMP criteria: PM2_Supporting, PM3_Strong, PP3, and PP4. PM2_Supporting: Not present in ESP, 1000G, or gnomAD (max population frequency = 0). PM3_Strong: Detected in trans with known pathogenic/likely pathogenic SLC26A4 variants in multiple unrelated affected individuals(including c.[1991C>T];[919-2A>G], c.[1991C>T];[2168A>G]; PMIDs: 33597575, 34170635, 23185506, 21961810, 33224713). PP3: In silico prediction REVEL = 0.744 supports a deleterious effect. PP4: Enlarged vestibular aqueduct (EVA) is a classic manifestation of hearing loss caused by pathogenic variants in this gene. Combined evidence meets criteria for Likely pathogenic.

GeneDx
Classification: Pathogenic. Last evaluated: 2025-01-07. Review status: criteria provided, single submitter. Criteria: GeneDx Variant Classification Process June 2021. Collection method: clinical testing. Allele origin: germline.
Comment: Published functional studies demonstrate the p.(A664V) variant reduces membrane expression and decreases transport activity (PMID: 23185506); Not observed at significant frequency in large population cohorts (gnomAD); In silico analysis supports that this missense variant has a deleterious effect on protein structure/function; This variant is associated with the following publications: (PMID: 26035154, 31035178, 34628810, 21154317, 25266519, 33724713, 33597575, 23638949, 28640090, 35982127, 38860500, 21961810, 34170635, 23185506)

Labcorp Genetics (formerly Invitae), Labcorp
Classification: Pathogenic. Last evaluated: 2024-02-27. Review status: criteria provided, single submitter. Criteria: Invitae Variant Classification Sherloc (09022015). Collection method: clinical testing. Allele origin: germline.
Comment: This sequence change replaces alanine, which is neutral and non-polar, with valine, which is neutral and non-polar, at codon 664 of the SLC26A4 protein (p.Ala664Val). This variant is not present in population databases (gnomAD no frequency). This missense change has been observed in individual(s) with clinical features of SLC26A4-related conditions (PMID: 21961810, 33597575, 34170635). In at least one individual the data is consistent with being in trans (on the opposite chromosome) from a pathogenic variant. ClinVar contains an entry for this variant (Variation ID: 1065212). Advanced modeling of protein sequence and biophysical properties (such as structural, functional, and spatial information, amino acid conservation, physicochemical variation, residue mobility, and thermodynamic stability) has been performed at Invitae for this missense variant, however the output from this modeling did not meet the statistical confidence thresholds required to predict the impact of this variant on SLC26A4 protein function. Experimental studies have shown that this missense change affects SLC26A4 function (PMID: 23185506). For these reasons, this variant has been classified as Pathogenic.

Baylor Genetics
Classification: Likely pathogenic for Autosomal recessive nonsyndromic hearing loss 4. Last evaluated: 2024-01-19. Review status: criteria provided, single submitter. Criteria: ACMG Guidelines, 2015. Collection method: clinical testing. Allele origin: unknown.

Revvity Omics, Revvity
Classification: Likely pathogenic. Last evaluated: 2019-11-22. Review status: criteria provided, single submitter. Criteria: ACMG Guidelines, 2015. Collection method: clinical testing. Allele origin: germline.

Juno Genomics, Hangzhou Juno Genomics, Inc
Classification: Likely pathogenic for Autosomal recessive nonsyndromic hearing loss 4; Pendred syndrome. Review status: criteria provided, single submitter. Criteria: ACMG Guidelines, 2015. Collection method: clinical testing. Allele origin: germline.
Comment: Absent from controls (or at extremely low frequency if recessive) in Genome Aggregation Database.;Well-established in vitro or in vivo functional studies supportive of a damaging effect on the gene or gene product.;For recessive disorders, detected in trans with a pathogenic variant.

Precision Medicine Center, Zhengzhou University
Classification: Pathogenic for Autosomal recessive nonsyndromic hearing loss 4. Review status: no assertion criteria provided. Collection method: research. Allele origin: germline. Affected: yes. Not counted in ClinVar's aggregate classification.
Comment: PM2: not found in gnomAD PM3_VeryStrong: Pathogenic mutation confirmed in trans in one patient and phase unknown in six patients PP3: REVEL score >0.7 PP4: Patient's phenotype highly specific for gene

Literature cited by the submitters: PubMed 33597575 (cited by Department of Otolaryngology-Head and Neck Surgery, Shanghai Jiao Tong University Affiliated Sixth People’s Hospital and Labcorp Genetics (formerly Invitae), Labcorp); PubMed 34170635 (cited by Department of Otolaryngology-Head and Neck Surgery, Shanghai Jiao Tong University Affiliated Sixth People’s Hospital and Labcorp Genetics (formerly Invitae), Labcorp); PubMed 23185506 (cited by Department of Otolaryngology-Head and Neck Surgery, Shanghai Jiao Tong University Affiliated Sixth People’s Hospital and Labcorp Genetics (formerly Invitae), Labcorp); PubMed 21961810 (cited by Department of Otolaryngology-Head and Neck Surgery, Shanghai Jiao Tong University Affiliated Sixth People’s Hospital and Labcorp Genetics (formerly Invitae), Labcorp); PubMed 33224713 (cited by Department of Otolaryngology-Head and Neck Surgery, Shanghai Jiao Tong University Affiliated Sixth People’s Hospital).